The following is an entry in ClinVar:

ClinVar aggregate classification (germline): Uncertain significance. Review status: criteria provided, multiple submitters, no conflicts (2 of 4 stars). 3 submissions from 3 submitters: Uncertain significance (3). Last evaluated 2026-07-22.

Conditions:
Hereditary cancer-predisposing syndrome. Also called: Tumor predisposition; Hereditary neoplastic syndrome; Hereditary Cancer Syndrome; Neoplastic Syndromes, Hereditary. Identifiers: Orphanet 140162, MedGen C0027672, MeSH D009386, MONDO:0015356.
Cardiovascular phenotype. Identifiers: MedGen CN230736.
LZTR1-related disorder. Also called: LZTR1-related disorders; LZTR1-related condition.

Allele frequency attached by ClinVar (database versions not stated): gnomAD 0.00001; gnomAD exomes 0.00001.
gnomAD v4.1: 17 of 1,613,332 alleles (0.0011%); highest among the groups gnomAD compares: African/African-American, 0.0027%; no homozygotes.

Submissions (3):

PreventionGenetics, part of Exact Sciences
Classification: Uncertain significance for LZTR1-related condition. Last evaluated: 2026-07-22. Review status: criteria provided, single submitter. Criteria: ACMG Guidelines, 2015. Collection method: clinical testing. Allele origin: germline.
Comment: The LZTR1 c.2248G>A variant is predicted to result in the amino acid substitution p.Gly750Ser. This variant was reported in an individual from a congenital heart disease cohort (Data Set 4 in Sierant et al. 2025. PubMed ID: 40127276). This variant is reported in 0.0050% of alleles in individuals of East Asian descent in gnomAD. At this time, the clinical significance of this variant is uncertain due to the absence of conclusive functional and genetic evidence.

Ambry Genetics
Classification: Uncertain significance for Cardiovascular phenotype; Hereditary cancer-predisposing syndrome. Last evaluated: 2025-11-03. Review status: criteria provided, single submitter. Criteria: Ambry Variant Classification Scheme 2023. Collection method: clinical testing. Allele origin: germline.
Comment: The p.G750S variant (also known as c.2248G>A), located in coding exon 19 of the LZTR1 gene, results from a G to A substitution at nucleotide position 2248. The glycine at codon 750 is replaced by serine, an amino acid with similar properties. This amino acid position is highly conserved in available vertebrate species. In addition, the in silico prediction for this alteration is inconclusive. Based on the available evidence, the clinical significance of this variant remains unclear.

Labcorp Genetics (formerly Invitae), Labcorp
Classification: Uncertain significance. Last evaluated: 2025-09-19. Review status: criteria provided, single submitter. Criteria: Invitae Variant Classification Sherloc (09022015). Collection method: clinical testing. Allele origin: germline.
Comment: This sequence change replaces glycine, which is neutral and non-polar, with serine, which is neutral and polar, at codon 750 of the LZTR1 protein (p.Gly750Ser). This variant is present in population databases (no rsID available, gnomAD 0.005%). This variant has not been reported in the literature in individuals affected with LZTR1-related conditions. ClinVar contains an entry for this variant (Variation ID: 1788367). Invitae Evidence Modeling of protein sequence and biophysical properties (such as structural, functional, and spatial information, amino acid conservation, physicochemical variation, residue mobility, and thermodynamic stability) indicates that this missense variant is not expected to disrupt LZTR1 protein function with a negative predictive value of 80%. Algorithms developed to predict the effect of sequence changes on RNA splicing suggest that this variant may create or strengthen a splice site. In summary, the available evidence is currently insufficient to determine the role of this variant in disease. Therefore, it has been classified as a Variant of Uncertain Significance.

NM_006767.4(LZTR1):c.2248G>A (p.Gly750Ser)

Gene: LZTR1 (leucine zipper like post translational regulator 1; plus strand). Cytogenetic location: 22q11.21.
Variant type: single nucleotide variant.
Coding change: c.2248G>A on transcript NM_006767.4 (MANE Select); coding-DNA position 2248, G replaced by A.
Protein change: p.Gly750Ser; replaces glycine 750 with serine.
Molecular consequence: missense variant.
Genome position (GRCh38, 1-based): chr22:20,996,724, G>A. VCF-style: chr22-20996724-G-A. GRCh37 (hg19) VCF-style: chr22-21351013-G-A.
Other names: short protein forms G750S.
Identifiers: ClinVar variation 1788367 (VCV001788367.7), dbSNP rs1359992200, ClinGen allele CA410780781.